The following is an entry in ClinVar:

ClinVar aggregate classification (germline): Uncertain significance (1 of 4 stars; one submission).

Submission:

Labcorp Genetics (formerly Invitae), Labcorp
Classification: Uncertain significance. Last evaluated: 2024-07-24. Review status: criteria provided, single submitter. Criteria: Invitae Variant Classification Sherloc (09022015). Collection method: clinical testing. Allele origin: germline.
Comment: This sequence change replaces phenylalanine, which is neutral and non-polar, with leucine, which is neutral and non-polar, at codon 2446 of the MACF1 protein (p.Phe2446Leu). This variant is not present in population databases (gnomAD no frequency). This variant has not been reported in the literature in individuals affected with MACF1-related conditions. An algorithm developed to predict the effect of missense changes on protein structure and function (PolyPhen-2) suggests that this variant is likely to be tolerated. In summary, the available evidence is currently insufficient to determine the role of this variant in disease. Therefore, it has been classified as a Variant of Uncertain Significance.

NM_001394062.1(MACF1):c.13524C>G (p.Phe4508Leu)

Gene: MACF1 (microtubule actin crosslinking factor 1; plus strand). Cytogenetic location: 1p34.3.
Variant type: single nucleotide variant.
Coding change: c.13524C>G on transcript NM_001394062.1 (MANE Select); coding-DNA position 13524, C replaced by G.
Protein change: p.Phe4508Leu; replaces phenylalanine 4508 with leucine.
Molecular consequence: missense variant.
Genome position (GRCh38, 1-based): chr1:39,380,249, C>G. VCF-style: chr1-39380249-C-G. GRCh37 (hg19) VCF-style: chr1-39845921-C-G.
Other names: c.7338C>G, p.Phe2446Leu (NM_012090.5); short protein forms F2446L, F4508L.
Identifiers: ClinVar variation 3660507 (VCV003660507.2).